The following is an entry in ClinVar:

ClinVar aggregate classification (germline): Uncertain significance. Review status: criteria provided, multiple submitters, no conflicts (2 of 4 stars). 2 submissions from 2 submitters: Uncertain significance (2). Last evaluated 2026-01-06.

Conditions:
Acute myeloid leukemia (AML). Also called: Acute myeloid leukemia, adult; AML adult; Acute non-lymphocytic leukemia; Acute granulocytic leukemia; Leukemia, acute myeloid, somatic; Leukemia, acute myelogenous, somatic. Identifiers: Orphanet 519, MedGen C0023467, MeSH D015470, MONDO:0018874, OMIM 601626, HP:0004808. Disease mechanism: Constitutively activated FLT3.
Inborn genetic diseases. Identifiers: MedGen C0950123, MeSH D030342.

Submissions (2):

Ambry Genetics
Classification: Uncertain significance for Inborn genetic diseases. Last evaluated: 2026-01-06. Review status: criteria provided, single submitter. Criteria: Ambry Variant Classification Scheme 2023. Collection method: clinical testing. Allele origin: germline.
Comment: The p.G355V variant (also known as c.1064G>T), located in coding exon 1 of the CEBPA gene, results from a G to T substitution at nucleotide position 1064. The glycine at codon 355 is replaced by valine, an amino acid with dissimilar properties. This amino acid position is well conserved in available vertebrate species. In addition, this alteration is predicted to be tolerated by in silico analysis. Based on the available evidence, the clinical significance of this variant remains unclear.

Labcorp Genetics (formerly Invitae), Labcorp
Classification: Uncertain significance for Acute myeloid leukemia. Last evaluated: 2022-04-13. Review status: criteria provided, single submitter. Criteria: Invitae Variant Classification Sherloc (09022015). Collection method: clinical testing. Allele origin: germline.
Comment: In summary, the available evidence is currently insufficient to determine the role of this variant in disease. Therefore, it has been classified as a Variant of Uncertain Significance. Algorithms developed to predict the effect of missense changes on protein structure and function are either unavailable or do not agree on the potential impact of this missense change (SIFT: "Tolerated"; PolyPhen-2: "Possibly Damaging"; Align-GVGD: "Class C0"). ClinVar contains an entry for this variant (Variation ID: 864349). This variant has not been reported in the literature in individuals affected with CEBPA-related conditions. This variant is not present in population databases (gnomAD no frequency). This sequence change replaces glycine, which is neutral and non-polar, with valine, which is neutral and non-polar, at codon 355 of the CEBPA protein (p.Gly355Val).

NM_004364.5(CEBPA):c.1064G>T (p.Gly355Val)

Gene: CEBPA (CCAAT enhancer binding protein alpha; minus strand). Cytogenetic location: 19q13.11.
Variant type: single nucleotide variant.
Coding change: c.1064G>T on transcript NM_004364.5 (MANE Select); coding-DNA position 1064, G replaced by T.
Protein change: p.Gly355Val; replaces glycine 355 with valine.
Molecular consequence: missense variant.
Genome position (GRCh38, 1-based): chr19:33,301,351, C>A on the plus strand (G>T on the coding strand, the complement: CEBPA is on the minus strand). VCF-style: chr19-33301351-C-A. GRCh37 (hg19) VCF-style: chr19-33792257-C-A.
Other names: c.707G>T, p.Gly236Val (NM_001285829.2); c.1169G>T, p.Gly390Val (NM_001287424.2); c.1022G>T, p.Gly341Val (NM_001287435.2); c.1064G>T (NM_004364.3); short protein forms G236V, G341V, G355V, G390V.
Identifiers: ClinVar variation 864349 (VCV000864349.11), dbSNP rs1358286265, ClinGen allele CA405273614.